The following is an entry in ClinVar:

NM_002471.4(MYH6):c.3641G>A (p.Arg1214Gln)

Gene: MYH6 (myosin heavy chain 6; minus strand). Cytogenetic location: 14q11.2.
Variant type: single nucleotide variant.
Coding change: c.3641G>A on transcript NM_002471.4 (MANE Select); coding-DNA position 3641, G replaced by A.
Protein change: p.Arg1214Gln; replaces arginine 1214 with glutamine.
Molecular consequence: missense variant.
Genome position (GRCh38, 1-based): chr14:23,390,148, C>T on the plus strand (G>A on the coding strand, the complement: MYH6 is on the minus strand). VCF-style: chr14-23390148-C-T. GRCh37 (hg19) VCF-style: chr14-23859357-C-T.
Other names: short protein forms R1214Q.
Identifiers: ClinVar variation 1733518 (VCV001733518.7), dbSNP rs778007219, ClinGen allele CA7115113.
Genomic context (GRCh38, chr14:23,390,148, plus strand): 5'-GTGACGTCATCCAGCTCCAGCTTGAACTCGCTCTTCTCCTTCTCCAGCTTCTGCTTCACC[C>T]GCTGCAGGTTGTCGATCTGCTCGCCCAGCTCGGCCACGCTGTCGGCGTGCTTCTTGCGCA-3'
Protein context (NP_002462.2, residues 1204-1224): ELGEQIDNLQ[Arg1214Gln]VKQKLEKEKS

ClinVar aggregate classification (germline): Uncertain significance. Review status: criteria provided, multiple submitters, no conflicts (2 of 4 stars). 4 submissions from 4 submitters: Uncertain significance (4). Last evaluated 2025-10-10.

Conditions:
MYH6-related disorder. Also called: MYH6-Related Disorders; MYH6-related condition.
Cardiovascular phenotype. Identifiers: MedGen CN230736.
Hypertrophic cardiomyopathy 14. Identifiers: MedGen C2750467, MONDO:0013197, OMIM 613251.

Allele frequency attached by ClinVar (database versions not stated): ExAC 0.00001; gnomAD 0.00001; gnomAD exomes 0.00001; TOPMed 0.00001.

Submissions (4):

PreventionGenetics, part of Exact Sciences
Classification: Uncertain significance for MYH6-related condition. Last evaluated: 2025-10-10. Review status: criteria provided, single submitter. Criteria: ACMG Guidelines, 2015. Collection method: clinical testing. Allele origin: germline.
Comment: The MYH6 c.3641G>A variant is predicted to result in the amino acid substitution p.Arg1214Gln. To our knowledge, this variant has not been reported in the literature in individuals with MYH6-related disorders. This variant is reported in 0.0029% of alleles in individuals of Latino descent in gnomAD. At this time, the clinical significance of this variant is uncertain due to the absence of conclusive functional and genetic evidence.

Labcorp Genetics (formerly Invitae), Labcorp
Classification: Uncertain significance for Hypertrophic cardiomyopathy 14. Last evaluated: 2025-08-13. Review status: criteria provided, single submitter. Criteria: Invitae Variant Classification Sherloc (09022015). Collection method: clinical testing. Allele origin: germline.
Comment: This sequence change replaces arginine, which is basic and polar, with glutamine, which is neutral and polar, at codon 1214 of the MYH6 protein (p.Arg1214Gln). This variant is present in population databases (rs778007219, gnomAD 0.003%). This variant has not been reported in the literature in individuals affected with MYH6-related conditions. ClinVar contains an entry for this variant (Variation ID: 1733518). Invitae Evidence Modeling of protein sequence and biophysical properties (such as structural, functional, and spatial information, amino acid conservation, physicochemical variation, residue mobility, and thermodynamic stability) indicates that this missense variant is expected to disrupt MYH6 protein function with a positive predictive value of 80%. In summary, the available evidence is currently insufficient to determine the role of this variant in disease. Therefore, it has been classified as a Variant of Uncertain Significance.

Women's Health and Genetics/Laboratory Corporation of America, LabCorp
Classification: Uncertain significance. Last evaluated: 2025-07-24. Review status: criteria provided, single submitter. Criteria: LabCorp Variant Classification Summary - May 2015. Collection method: clinical testing. Allele origin: germline.
Comment: Variant summary: MYH6 c.3641G>A (p.Arg1214Gln) results in a conservative amino acid change in the encoded protein sequence. Algorithms developed to predict the effect of missense changes on protein structure and function are either unavailable or do not agree on the potential impact of this missense change. The variant allele was found at a frequency of 4e-06 in 250770 control chromosomes (gnomAD). The available data on variant occurrences in the general population are insufficient to allow any conclusion about variant significance. c.3641G>A has been observed in one individual affected with autism spectrum disorder (Zhou_2022). The report does not provide unequivocal conclusions about association of the variant with Cardiomyopathy. To our knowledge, no experimental evidence demonstrating an impact on protein function has been reported. The following publications have been ascertained in the context of this evaluation (PMID: 25621899, 35982159). ClinVar contains an entry for this variant (Variation ID: 1733518). Based on the evidence outlined above, the variant was classified as uncertain significance.

Ambry Genetics
Classification: Uncertain significance for Cardiovascular phenotype. Last evaluated: 2022-10-30. Review status: criteria provided, single submitter. Criteria: Ambry Variant Classification Scheme 2023. Collection method: clinical testing. Allele origin: germline.
Comment: The p.R1214Q variant (also known as c.3641G>A), located in coding exon 24 of the MYH6 gene, results from a G to A substitution at nucleotide position 3641. The arginine at codon 1214 is replaced by glutamine, an amino acid with highly similar properties. This amino acid position is conserved. In addition, the in silico prediction for this alteration is inconclusive. Since supporting evidence is limited at this time, the clinical significance of this alteration remains unclear.

Literature cited by the submitters: PubMed 35982159 (cited by Women's Health and Genetics/Laboratory Corporation of America, LabCorp); PubMed 25621899 (cited by Women's Health and Genetics/Laboratory Corporation of America, LabCorp).